The following is an entry in ClinVar:

ClinVar aggregate classification (germline): Pathogenic (1 of 4 stars; one submission).

Submission:

Dasa
Classification: Pathogenic. Last evaluated: 2025-01-07. Review status: criteria provided, single submitter. Criteria: DASA Assertion Criteria. Collection method: clinical testing. Allele origin: germline.
Comment: NM_022455.5(NSD1):c.5147-1G>C affects a canonical splice site and is predicted to disrupt normal RNA splicing. Loss of function is an established disease mechanism for NSD1 (PMID: 11896389; PMID: 17565729; PMID: 23190751). This variant affects a canonical splice-site context with prior evidence supporting clinical relevance. Also, this variant is absent from population databases. Based on the currently available evidence, this variant is classified as pathogenic.

Literature cited by the submitters: PubMed 11896389; PubMed 17565729; PubMed 23190751.

NM_022455.5(NSD1):c.5147-1G>C

Gene: NSD1 (nuclear receptor binding SET domain protein 1; plus strand). Cytogenetic location: 5q35.3.
Variant type: single nucleotide variant.
Coding change: c.5147-1G>C on transcript NM_022455.5 (MANE Select); the canonical splice acceptor site of the intron before coding-DNA position 5147, G replaced by C.
Molecular consequence: splice acceptor variant.
Genome position (GRCh38, 1-based): chr5:177,267,561, G>C. VCF-style: chr5-177267561-G-C. GRCh37 (hg19) VCF-style: chr5-176694562-G-C.
Other names: c.5147-1G>C (NM_001409301.1, NM_001409302.1, NM_001409303.1); c.4727-1G>C (NM_001409304.1); c.4394-1G>C (NM_001409305.1); c.4385-1G>C (NM_001409306.1, NM_001409307.1); c.4274-1G>C (NM_001409308.1, NM_172349.5, NM_001409309.1 and 1 more transcripts).
Identifiers: ClinVar variation 4852598 (VCV004852598.2).